The following is an entry in ClinVar:

ClinVar aggregate classification (germline): Uncertain significance. Review status: criteria provided, multiple submitters, no conflicts (2 of 4 stars). 2 submissions from 2 submitters: Uncertain significance (2). Last evaluated 2024-08-09.

Conditions:
Disseminated atypical mycobacterial infection. Identifiers: MedGen C0694566.

Allele frequency attached by ClinVar (database versions not stated): gnomAD exomes below 0.00001; TOPMed below 0.00001; gnomAD 0.00001.
gnomAD v4.1: 2 of 1,613,906 alleles (0.00012%); highest among the groups gnomAD compares: Non-Finnish European, 0.00017%; no homozygotes.

Submissions (2):

Labcorp Genetics (formerly Invitae), Labcorp
Classification: Uncertain significance for Disseminated atypical mycobacterial infection. Last evaluated: 2024-08-09. Review status: criteria provided, single submitter. Criteria: Invitae Variant Classification Sherloc (09022015). Collection method: clinical testing. Allele origin: germline.
Comment: This sequence change replaces asparagine, which is neutral and polar, with tyrosine, which is neutral and polar, at codon 43 of the IFNGR1 protein (p.Asn43Tyr). This variant is not present in population databases (gnomAD no frequency). This variant has not been reported in the literature in individuals affected with IFNGR1-related conditions. ClinVar contains an entry for this variant (Variation ID: 1010169). Advanced modeling of protein sequence and biophysical properties (such as structural, functional, and spatial information, amino acid conservation, physicochemical variation, residue mobility, and thermodynamic stability) has been performed at Invitae for this missense variant, however the output from this modeling did not meet the statistical confidence thresholds required to predict the impact of this variant on IFNGR1 protein function. In summary, the available evidence is currently insufficient to determine the role of this variant in disease. Therefore, it has been classified as a Variant of Uncertain Significance.

Blueprint Genetics
Classification: Uncertain significance. Last evaluated: 2022-09-14. Review status: criteria provided, single submitter. Criteria: ACMG Guidelines, 2015. Collection method: clinical testing. Allele origin: germline.

NM_000416.3(IFNGR1):c.127A>T (p.Asn43Tyr)

Gene: IFNGR1 (interferon gamma receptor 1; minus strand). Cytogenetic location: 6q23.3.
Variant type: single nucleotide variant.
Coding change: c.127A>T on transcript NM_000416.3 (MANE Select); coding-DNA position 127, A replaced by T.
Protein change: p.Asn43Tyr; replaces asparagine 43 with tyrosine.
Molecular consequence: missense variant.
Genome position (GRCh38, 1-based): chr6:137,207,036, T>A on the plus strand (A>T on the coding strand, the complement: IFNGR1 is on the minus strand). VCF-style: chr6-137207036-T-A. GRCh37 (hg19) VCF-style: chr6-137528173-T-A.
Other names: c.4A>T, p.Asn2Tyr (NM_001363527.1); c.97A>T, p.Asn33Tyr (NM_001363526.1); short protein forms N2Y, N33Y, N43Y.
Identifiers: ClinVar variation 1010169 (VCV001010169.49), dbSNP rs1404651605, ClinGen allele CA365776141.